The following is an entry in ClinVar:

NM_001303052.2(MYT1L):c.3080+4198G>A

Gene: MYT1L (myelin transcription factor 1 like; minus strand). Cytogenetic location: 2p25.3.
Variant type: single nucleotide variant.
Coding change: c.3080+4198G>A on transcript NM_001303052.2 (MANE Select); 4198 bases into the intron after coding-DNA position 3080, G replaced by A.
Molecular consequence: intron variant.
Genome position (GRCh38, 1-based): chr2:1,834,951, C>T on the plus strand (G>A on the coding strand, the complement: MYT1L is on the minus strand). VCF-style: chr2-1834951-C-T. GRCh37 (hg19) VCF-style: chr2-1838723-C-T.
Other names: c.3074+4198G>A (NM_015025.4, NM_001329847.2, NM_001329848.1 and 3 more transcripts); c.3080+4198G>A (NM_001329844.2, NM_001329845.1, NM_001329851.3).
Identifiers: ClinVar variation 1694948 (VCV001694948.31), dbSNP rs1366715361, ClinGen allele CA530409924.

ClinVar aggregate classification (germline): Benign (1 of 4 stars; one submission).

Allele frequency attached by ClinVar (database versions not stated): gnomAD 0.00206.

Submission:

CeGaT Center for Human Genetics Tuebingen
Classification: Benign. Last evaluated: 2023-05-01. Review status: criteria provided, single submitter. Criteria: CeGaT Center For Human Genetics Tuebingen Variant Classification Criteria Version 2. Collection method: clinical testing. Allele origin: germline. Affected: yes. Observed: 7 variant alleles.
Comment: MYT1L: BS1, BS2